The following is an entry in ClinVar:

ClinVar aggregate classification (germline): Uncertain significance. Review status: criteria provided, multiple submitters, no conflicts (2 of 4 stars). 2 submissions from 2 submitters: Uncertain significance (2). Last evaluated 2024-04-15.

Conditions:
Hereditary cancer-predisposing syndrome. Also called: Neoplastic Syndromes, Hereditary; Tumor predisposition; Hereditary Cancer Syndrome; Hereditary neoplastic syndrome. Identifiers: Orphanet 140162, MedGen C0027672, MeSH D009386, MONDO:0015356.

Allele frequency attached by ClinVar (database versions not stated): gnomAD exomes below 0.00001.

Submissions (2):

Ambry Genetics
Classification: Uncertain significance for Hereditary cancer-predisposing syndrome. Last evaluated: 2024-04-15. Review status: criteria provided, single submitter. Criteria: Ambry Variant Classification Scheme 2023. Collection method: clinical testing. Allele origin: germline.

Labcorp Genetics (formerly Invitae), Labcorp
Classification: Uncertain significance. Last evaluated: 2023-08-16. Review status: criteria provided, single submitter. Criteria: Invitae Variant Classification Sherloc (09022015). Collection method: clinical testing. Allele origin: germline.
Comment: In summary, the available evidence is currently insufficient to determine the role of this variant in disease. Therefore, it has been classified as a Variant of Uncertain Significance. Advanced modeling of protein sequence and biophysical properties (such as structural, functional, and spatial information, amino acid conservation, physicochemical variation, residue mobility, and thermodynamic stability) performed at Invitae indicates that this missense variant is expected to disrupt HOXB13 protein function. ClinVar contains an entry for this variant (Variation ID: 483519). This variant has not been reported in the literature in individuals affected with HOXB13-related conditions. This variant is not present in population databases (gnomAD no frequency). This sequence change replaces serine, which is neutral and polar, with leucine, which is neutral and non-polar, at codon 256 of the HOXB13 protein (p.Ser256Leu).

NM_006361.6(HOXB13):c.767C>T (p.Ser256Leu)

Gene: HOXB13 (homeobox B13; minus strand). Cytogenetic location: 17q21.32.
Variant type: single nucleotide variant.
Coding change: c.767C>T on transcript NM_006361.6 (MANE Select); coding-DNA position 767, C replaced by T.
Protein change: p.Ser256Leu; replaces serine 256 with leucine.
Molecular consequence: missense variant.
Genome position (GRCh38, 1-based): chr17:48,726,878, G>A on the plus strand (C>T on the coding strand, the complement: HOXB13 is on the minus strand). VCF-style: chr17-48726878-G-A. GRCh37 (hg19) VCF-style: chr17-46804240-G-A.
Other names: short protein forms S256L.
Identifiers: ClinVar variation 483519 (VCV000483519.15), dbSNP rs1555558453, ClinGen allele CA400105916.
Genomic context (GRCh38, chr17:48,726,878, plus strand): 5'-GCGAGAACCTTCTTCTCTTTGACCCGGCGGTTCTGAAACCAGATGGTAATCTGGCGCTCC[G>A]AGAGGCTGGTGGCTGCCGAGATCTTGCGCCTCTTGTCCTTGGTGATGAACTTGTTAGCCG-3'
Protein context (NP_006352.2, residues 246-266): RRKISAATSL[Ser256Leu]ERQITIWFQN